The following is an entry in ClinVar:

ClinVar aggregate classification (germline): Likely pathogenic (1 of 4 stars; one submission).

Conditions:
Hereditary breast ovarian cancer syndrome. Also called: BRCA1- and BRCA2-Associated Hereditary Breast and Ovarian Cancer; Hereditary breast and ovarian cancer; Hereditary breast and ovarian cancer syndrome (HBOC); Hereditary breast and/or ovarian cancer syndrome; Hereditary breast and ovarian cancer syndrome; Breast and ovarian cancer. Identifiers: Orphanet 145, MedGen C0677776, MeSH D061325, MONDO:0003582. Disease mechanism: loss of function.

Submission:

GeneKor MSA
Classification: Likely pathogenic for Hereditary breast ovarian cancer syndrome. Last evaluated: 2025-06-26. Review status: criteria provided, single submitter. Criteria: ACMG Guidelines, 2015. Collection method: clinical testing. Allele origin: germline. Affected: yes.
Comment: This sequence change deletes 4 nucleotides from exon 3 of the BRCA2 mRNA c.(88_91del), causing a frameshift at codon 30. This creates a premature translational stop signal p.(Asn30Glyfs*49) at this position and is expected to result in an absent or disrupted protein product. Loss-of-function variants in BRCA2 are known to be pathogenic (PMID:20104584).This variant is not present in the population databases. The mutation database ClinVar does not contais entries for this variant. Based on the classification criteria set by the ACMG and AMP (PMID:25741868) this variant has been classified as likely pathogenic.

Literature cited by the submitters: PubMed 20104584.

NM_000059.4(BRCA2):c.88_91del (p.Asn30fs)

Gene: BRCA2 (BRCA2 DNA repair associated; plus strand). Cytogenetic location: 13q13.1.
Variant type: Deletion.
Coding change: c.88_91del on transcript NM_000059.4 (MANE Select); coding-DNA positions 88 to 91, 4 bases deleted (AATT; older notation c.88_91delAATT).
Protein change: p.Asn30fs; shifts the reading frame from asparagine 30.
Molecular consequence: frameshift variant. On other transcripts: 5 prime UTR variant (1), non-coding transcript variant (1).
Genome position (GRCh38, 1-based): chr13:32,319,097-32,319,100, AATT deleted; deleting any 4 consecutive bases within chr13:32,319,095-32,319,100 gives the same sequence; the c. name uses the placement nearest the transcript's 3' end. VCF-style (leftmost placement, unchanged base first): chr13-32319094-CTTAA-C. GRCh37 (hg19) VCF-style: chr13-32893231-CTTAA-C.
Other names: c.88_91del, p.Asn30fs (NM_001406719.1, NM_001406720.1, NM_001406721.1 and 1 more transcripts); c.-282_-279del (NM_001406722.1); short protein forms N30fs.
Identifiers: ClinVar variation 4077019 (VCV004077019.1).
Genomic context (GRCh38, chr13:32,319,094, plus strand): 5'-CTGTCACTGGTTAAAACTAAGGTGGGATTTTTTTTTTAAATAGATTTAGGACCAATAAGT[CTTAA>C]TTGGTTTGAAGAACTTTCTTCAGAAGCTCCACCCTATAATTCTGAACCTGCAGAAGAATC-3'